The following is an entry in ClinVar:

NM_181507.2(HPS5):c.2468T>C (p.Met823Thr)

Gene: HPS5 (HPS5 biogenesis of lysosomal organelles complex 2 subunit 2; minus strand). Cytogenetic location: 11p15.1.
Variant type: single nucleotide variant.
Coding change: c.2468T>C on transcript NM_181507.2 (MANE Select); coding-DNA position 2468, T replaced by C.
Protein change: p.Met823Thr; replaces methionine 823 with threonine.
Molecular consequence: missense variant.
Genome position (GRCh38, 1-based): chr11:18,287,986, A>G on the plus strand (T>C on the coding strand, the complement: HPS5 is on the minus strand). VCF-style: chr11-18287986-A-G. GRCh37 (hg19) VCF-style: chr11-18309533-A-G.
Other names: c.2126T>C, p.Met709Thr (NM_007216.4, NM_181508.2); short protein forms M709T, M823T.
Identifiers: ClinVar variation 2131394 (VCV002131394.4), dbSNP rs2494519150, ClinGen allele CA379520920.

ClinVar aggregate classification (germline): Uncertain significance (1 of 4 stars; one submission).

Submission:

Labcorp Genetics (formerly Invitae), Labcorp
Classification: Uncertain significance. Last evaluated: 2023-08-04. Review status: criteria provided, single submitter. Criteria: Invitae Variant Classification Sherloc (09022015). Collection method: clinical testing. Allele origin: germline.
Comment: This sequence change replaces methionine, which is neutral and non-polar, with threonine, which is neutral and polar, at codon 823 of the HPS5 protein (p.Met823Thr). This variant is not present in population databases (gnomAD no frequency). This variant has not been reported in the literature in individuals affected with HPS5-related conditions. ClinVar contains an entry for this variant (Variation ID: 2131394). Algorithms developed to predict the effect of missense changes on protein structure and function output the following: SIFT: "Not Available"; PolyPhen-2: "Benign"; Align-GVGD: "Not Available". The threonine amino acid residue is found in multiple mammalian species, which suggests that this missense change does not adversely affect protein function. In summary, the available evidence is currently insufficient to determine the role of this variant in disease. Therefore, it has been classified as a Variant of Uncertain Significance.